The following is an entry in ClinVar:

ClinVar aggregate classification (germline): Conflicting classifications of pathogenicity. Review status: criteria provided, conflicting classifications (1 of 4 stars). 3 submissions from 3 submitters: Uncertain significance (2); Likely benign (1). Last evaluated 2026-11-20.

Conditions:
Combined immunodeficiency due to LRBA deficiency. Also called: Common variable immunodeficiency 8, with autoimmunity. Identifiers: Orphanet 445018, MedGen C3553512, MONDO:0013863, OMIM 614700.

Allele frequency attached by ClinVar (database versions not stated): gnomAD exomes 0.00004 and 0.00014; TOPMed 0.00010; gnomAD 0.00007 and 0.00005; 1000 Genomes Project 0.00020; ExAC 0.00009; 1000 Genomes Project 30x 0.00016.
gnomAD v4.1: 66 of 1,614,126 alleles (0.0041%); highest among the groups gnomAD compares: East Asian, 0.13%; no homozygotes.

Submissions (3):

Department of Human Genetics, Hannover Medical School
Classification: Uncertain significance for Combined immunodeficiency due to LRBA deficiency. Last evaluated: 2026-11-20. Review status: criteria provided, single submitter. Criteria: ACMG Guidelines, 2015. Collection method: clinical testing. Allele origin: germline. Affected: yes.

Women's Health and Genetics/Laboratory Corporation of America, LabCorp
Classification: Likely benign. Last evaluated: 2026-04-15. Review status: criteria provided, single submitter. Criteria: LabCorp Variant Classification Summary - May 2015. Collection method: clinical testing. Allele origin: germline.
Comment: Variant summary: LRBA c.8267T>C (p.Ile2756Thr) results in a non-conservative amino acid change in the encoded protein sequence. Algorithms developed to predict the effect of missense changes on protein structure and function are either unavailable or do not agree on the potential impact of this missense change. The variant allele was found at a frequency of 0.00014 in 251422 control chromosomes, predominantly at a frequency of 0.0018 within the East Asian subpopulation in the gnomAD database. The observed variant frequency within East Asian control individuals in the gnomAD database exceeds the estimated maximal expected allele frequency for disease-causing variants in LRBA. To our knowledge, no occurrence of c.8267T>C in individuals affected with LRBA-related conditions and no experimental evidence demonstrating its impact on protein function have been reported. ClinVar contains an entry for this variant (Variation ID: 1435049). Based on the evidence outlined above, the variant was classified as likely benign.

Labcorp Genetics (formerly Invitae), Labcorp
Classification: Uncertain significance for Combined immunodeficiency due to LRBA deficiency. Last evaluated: 2023-07-17. Review status: criteria provided, single submitter. Criteria: Invitae Variant Classification Sherloc (09022015). Collection method: clinical testing. Allele origin: germline.
Comment: In summary, the available evidence is currently insufficient to determine the role of this variant in disease. Therefore, it has been classified as a Variant of Uncertain Significance. Advanced modeling of protein sequence and biophysical properties (such as structural, functional, and spatial information, amino acid conservation, physicochemical variation, residue mobility, and thermodynamic stability) performed at Invitae indicates that this missense variant is not expected to disrupt LRBA protein function. ClinVar contains an entry for this variant (Variation ID: 1435049). This variant has not been reported in the literature in individuals affected with LRBA-related conditions. This variant is present in population databases (rs186451672, gnomAD 0.2%). This sequence change replaces isoleucine, which is neutral and non-polar, with threonine, which is neutral and polar, at codon 2756 of the LRBA protein (p.Ile2756Thr).

NM_001364905.1(LRBA):c.8234T>C (p.Ile2745Thr)

Gene: LRBA (LPS responsive beige-like anchor protein; minus strand). Cytogenetic location: 4q31.3.
Variant type: single nucleotide variant.
Coding change: c.8234T>C on transcript NM_001364905.1 (MANE Select); coding-DNA position 8234, T replaced by C.
Protein change: p.Ile2745Thr; replaces isoleucine 2745 with threonine.
Molecular consequence: missense variant.
Genome position (GRCh38, 1-based): chr4:150,282,532, A>G on the plus strand (T>C on the coding strand, the complement: LRBA is on the minus strand). VCF-style: chr4-150282532-A-G. GRCh37 (hg19) VCF-style: chr4-151203684-A-G.
Other names: c.8231T>C, p.Ile2744Thr (NM_001199282.3); c.8249T>C, p.Ile2750Thr (NM_001367550.1); c.8267T>C, p.Ile2756Thr (NM_006726.5); short protein forms I2745T, I2744T, I2750T, I2756T.
Identifiers: ClinVar variation 1435049 (VCV001435049.9), dbSNP rs186451672, ClinGen allele CA3101411.